The following is an entry in ClinVar:

NM_001042492.3(NF1):c.1996del (p.Ser666fs)

Gene: NF1 (neurofibromin 1; plus strand). Cytogenetic location: 17q11.2.
Variant type: Deletion.
Coding change: c.1996del on transcript NM_001042492.3 (MANE Select); coding-DNA position 1996, one base deleted (T; older notation c.1996delT).
Protein change: p.Ser666fs; shifts the reading frame from serine 666.
Molecular consequence: frameshift variant.
Genome position (GRCh38, 1-based): chr17:31,225,245, T deleted. VCF-style (leftmost placement, unchanged base first): chr17-31225244-CT-C. GRCh37 (hg19) VCF-style: chr17-29552262-CT-C.
Other names: c.1996delT, p.Ser666Leufs (NM_000267.4); short protein forms S666fs.
Identifiers: ClinVar variation 2116388 (VCV002116388.4), dbSNP rs2508143117, ClinGen allele CA2580093111.

ClinVar aggregate classification (germline): Pathogenic (1 of 4 stars; one submission).

Conditions:
Neurofibromatosis, type 1 (NF1). Also called: NEUROFIBROMATOSIS, TYPE I, SOMATIC; Neurofibromatosis, type I; Peripheral type neurofibromatosis; VON RECKLINGHAUSEN DISEASE. Identifiers: Orphanet 636, MedGen C0027831, MONDO:0018975, OMIM 162200. Disease mechanism: loss of function.

Submission:

Labcorp Genetics (formerly Invitae), Labcorp
Classification: Pathogenic for Neurofibromatosis, type 1. Last evaluated: 2022-03-24. Review status: criteria provided, single submitter. Criteria: Invitae Variant Classification Sherloc (09022015). Collection method: clinical testing. Allele origin: germline.
Comment: For these reasons, this variant has been classified as Pathogenic. This variant has not been reported in the literature in individuals affected with NF1-related conditions. This variant is not present in population databases (gnomAD no frequency). This sequence change creates a premature translational stop signal (p.Ser666Leufs*22) in the NF1 gene. It is expected to result in an absent or disrupted protein product. Loss-of-function variants in NF1 are known to be pathogenic (PMID: 10712197, 23913538).

Literature cited by the submitters: PubMed 10712197; PubMed 23913538.